The following is an entry in ClinVar:

ClinVar aggregate classification (germline): Uncertain significance (1 of 4 stars; one submission).

Conditions:
Cardiovascular phenotype. Identifiers: MedGen CN230736.

gnomAD v4.1: 6 of 1,614,082 alleles (0.00037%); highest among the groups gnomAD compares: Non-Finnish European, 0.00042%; no homozygotes.

Submission:

Ambry Genetics
Classification: Uncertain significance for Cardiovascular phenotype. Last evaluated: 2026-07-04. Review status: criteria provided, single submitter. Criteria: Ambry Variant Classification Scheme 2023. Collection method: clinical testing. Allele origin: germline.
Comment: The p.P142H variant (also known as c.425C>A), located in coding exon 4 of the ENG gene, results from a C to A substitution at nucleotide position 425. The proline at codon 142 is replaced by histidine, an amino acid with similar properties. This amino acid position is conserved. In addition, this alteration is predicted to be tolerated by in silico analysis. Based on the available evidence, the clinical significance of this variant remains unclear.

NM_001114753.3(ENG):c.425C>A (p.Pro142His)

Gene: ENG (endoglin; minus strand). Cytogenetic location: 9q34.11.
Variant type: single nucleotide variant.
Coding change: c.425C>A on transcript NM_001114753.3 (MANE Select); coding-DNA position 425, C replaced by A.
Protein change: p.Pro142His; replaces proline 142 with histidine.
Molecular consequence: missense variant. On other transcripts: 5 prime UTR variant (1).
Genome position (GRCh38, 1-based): chr9:127,826,608, G>T on the plus strand (C>A on the coding strand, the complement: ENG is on the minus strand). VCF-style: chr9-127826608-G-T. GRCh37 (hg19) VCF-style: chr9-130588887-G-T.
Other names: c.425C>A, p.Pro142His (NM_000118.4, NM_001406715.1); c.-122C>A (NM_001278138.2); short protein forms P142H.
Identifiers: ClinVar variation 5035956 (VCV005035956.1).
Genomic context (GRCh38, chr9:127,826,608, plus strand): 5'-AGCTCAGCAGCAGAGGTGATGGGGCCCCTCTCAGCTGCCCACTCAAGGATCTGGGTCTTG[G>T]GGAAGGATGGCAGCTCTGTGGTGTTGACCCCCGGGGGCTCTTGGAAGGTGACCAGGCTGG-3'
Protein context (NP_001108225.1, residues 132-152): GVNTTELPSF[Pro142His]KTQILEWAAE